The following is an entry in ClinVar:

NM_133433.4(NIPBL):c.4335T>A (p.Tyr1445Ter)

Gene: NIPBL (NIPBL cohesin loading factor; plus strand). Cytogenetic location: 5p13.2.
Variant type: single nucleotide variant.
Coding change: c.4335T>A on transcript NM_133433.4 (MANE Select); coding-DNA position 4335, T replaced by A.
Protein change: p.Tyr1445Ter; replaces tyrosine 1445 with a stop codon.
Molecular consequence: nonsense.
Genome position (GRCh38, 1-based): chr5:37,008,637, T>A. VCF-style: chr5-37008637-T-A. GRCh37 (hg19) VCF-style: chr5-37008739-T-A.
Other names: c.4335T>A, p.Tyr1445Ter (NM_015384.5); short protein forms Y1445*.
Identifiers: ClinVar variation 2122995 (VCV002122995.4), dbSNP rs767317539, ClinGen allele CA359526700.
Genomic context (GRCh38, chr5:37,008,637, plus strand): 5'-GTTTTCTATTATAAGTTTAACTTGGAATCTTATAATTACTAAACAGGTATTCTCAAGATA[T>A]GAAAAACATAGGCAGTTAATTTTGGAAGAAATTTTTACTTCACTTGCAAGATTACCAACC-3'

ClinVar aggregate classification (germline): Pathogenic (1 of 4 stars; one submission).

Conditions:
Cornelia de Lange syndrome 1 (CDLS1). Also called: Brachmann de Lange syndrome; NIPBL-Related Cornelia de Lange Syndrome; TYPUS DEGENERATIVUS AMSTELODAMENSIS. Identifiers: Orphanet 199, MedGen C4551851, MONDO:0007387, OMIM 122470.

Submission:

Labcorp Genetics (formerly Invitae), Labcorp
Classification: Pathogenic for Cornelia de Lange syndrome 1. Last evaluated: 2022-04-12. Review status: criteria provided, single submitter. Criteria: Invitae Variant Classification Sherloc (09022015). Collection method: clinical testing. Allele origin: germline.
Comment: For these reasons, this variant has been classified as Pathogenic. This variant has not been reported in the literature in individuals affected with NIPBL-related conditions. This variant is not present in population databases (gnomAD no frequency). This sequence change creates a premature translational stop signal (p.Tyr1445*) in the NIPBL gene. It is expected to result in an absent or disrupted protein product. Loss-of-function variants in NIPBL are known to be pathogenic (PMID: 15318302, 19763162, 23505322, 29995837).

Literature cited by the submitters: PubMed 15318302; PubMed 19763162; PubMed 23505322; PubMed 29995837.